The following is an entry in ClinVar:

NM_015046.7(SETX):c.2591C>T (p.Pro864Leu)

Gene: SETX (senataxin; minus strand). Cytogenetic location: 9q34.13.
Variant type: single nucleotide variant.
Coding change: c.2591C>T on transcript NM_015046.7 (MANE Select); coding-DNA position 2591, C replaced by T.
Protein change: p.Pro864Leu; replaces proline 864 with leucine.
Molecular consequence: missense variant.
Genome position (GRCh38, 1-based): chr9:132,329,007, G>A on the plus strand (C>T on the coding strand, the complement: SETX is on the minus strand). VCF-style: chr9-132329007-G-A. GRCh37 (hg19) VCF-style: chr9-135204394-G-A.
Other names: c.2591C>T, p.Pro864Leu (NM_001351527.2, NM_001351528.2); short protein forms P864L.
Identifiers: ClinVar variation 1934669 (VCV001934669.6), dbSNP rs139427451, ClinGen allele CA5297565.

ClinVar aggregate classification (germline): Conflicting classifications of pathogenicity. Review status: criteria provided, conflicting classifications (1 of 4 stars). 2 submissions from 2 submitters: Uncertain significance (1); Benign (1). Last evaluated 2024-08-26.

Conditions:
Amyotrophic lateral sclerosis type 4 (ALS4). Also called: AMYOTROPHIC LATERAL SCLEROSIS 4, JUVENILE; NEURONOPATHY, DISTAL HEREDITARY MOTOR, WITH PYRAMIDAL FEATURES. Identifiers: Orphanet 357043, MedGen C1865409, MONDO:0011223, OMIM 602433.
Spinocerebellar ataxia, autosomal recessive, with axonal neuropathy 2 (SCAN2). Also called: ATAXIA-OCULOMOTOR APRAXIA 2; Ataxia-ocular apraxia-2; Ataxia with Oculomotor Apraxia; Ataxia with Oculomotor Apraxia Type 2. Identifiers: Orphanet 64753, MedGen C1853761, MONDO:0018996, OMIM 606002.

Allele frequency attached by ClinVar (database versions not stated): gnomAD exomes 0.00002; ExAC 0.00003; gnomAD 0.00004; TOPMed 0.00005; ESP Exome Variant Server 0.00023.
gnomAD v4.1: 34 of 1,606,308 alleles (0.0021%); highest among the groups gnomAD compares: African/African-American, 0.012%; no homozygotes.

Submissions (2):

Labcorp Genetics (formerly Invitae), Labcorp
Classification: Benign for Amyotrophic lateral sclerosis type 4; Spinocerebellar ataxia, autosomal recessive, with axonal neuropathy 2. Last evaluated: 2024-08-26. Review status: criteria provided, single submitter. Criteria: Invitae Variant Classification Sherloc (09022015). Collection method: clinical testing. Allele origin: germline.

GeneDx
Classification: Uncertain significance. Last evaluated: 2022-09-27. Review status: criteria provided, single submitter. Criteria: GeneDx Variant Classification Process June 2021. Collection method: clinical testing. Allele origin: germline. Affected: yes.
Comment: In silico analysis supports that this missense variant does not alter protein structure/function; Has not been previously published as pathogenic or benign to our knowledge